The following is an entry in ClinVar:

ClinVar aggregate classification (germline): Uncertain significance (1 of 4 stars; one submission).

Conditions:
Hereditary cancer-predisposing syndrome. Also called: Hereditary Cancer Syndrome; Hereditary neoplastic syndrome; Neoplastic Syndromes, Hereditary; Tumor predisposition. Identifiers: Orphanet 140162, MedGen C0027672, MeSH D009386, MONDO:0015356.

Submission:

Ambry Genetics
Classification: Uncertain significance for Hereditary cancer-predisposing syndrome. Last evaluated: 2025-05-31. Review status: criteria provided, single submitter. Criteria: Ambry Variant Classification Scheme 2023. Collection method: clinical testing. Allele origin: germline.
Comment: The p.E907A variant (also known as c.2720A>C), located in coding exon 7 of the PALB2 gene, results from an A to C substitution at nucleotide position 2720. The glutamic acid at codon 907 is replaced by alanine, an amino acid with dissimilar properties. This amino acid position is conserved. In addition, this alteration is predicted to be tolerated by in silico analysis. Based on the available evidence, the clinical significance of this variant remains unclear.

NM_024675.4(PALB2):c.2720A>C (p.Glu907Ala)

Gene: PALB2 (partner and localizer of BRCA2; minus strand). Cytogenetic location: 16p12.2.
Variant type: single nucleotide variant.
Coding change: c.2720A>C on transcript NM_024675.4 (MANE Select); coding-DNA position 2720, A replaced by C.
Protein change: p.Glu907Ala; replaces glutamic acid 907 with alanine.
Molecular consequence: missense variant. On other transcripts: intron variant (3).
Genome position (GRCh38, 1-based): chr16:23,626,264, T>G on the plus strand (A>C on the coding strand, the complement: PALB2 is on the minus strand). VCF-style: chr16-23626264-T-G. GRCh37 (hg19) VCF-style: chr16-23637585-T-G.
Other names: c.2660A>C, p.Glu887Ala (NM_001407296.1); c.2648A>C, p.Glu883Ala (NM_001407297.1); c.2720A>C, p.Glu907Ala (NM_001407299.1, NM_001407300.1, NM_001407301.1); c.1835A>C, p.Glu612Ala (NM_001407304.1, NM_001407305.1, NM_001407306.1 and 4 more transcripts); c.932A>C, p.Glu311Ala (NM_001407312.1, NM_001407313.1); c.254A>C, p.Glu85Ala (NM_001407314.1); c.2587-2170A>C (NM_001407302.1, NM_001407298.1); c.1702-2170A>C (NM_001407307.1); short protein forms E311A, E612A, E85A, E907A, E883A, E887A.
Identifiers: ClinVar variation 3927454 (VCV003927454.1).